The following is an entry in ClinVar:

ClinVar aggregate classification (germline): Uncertain significance (1 of 4 stars; one submission).

Submission:

Labcorp Genetics (formerly Invitae), Labcorp
Classification: Uncertain significance. Last evaluated: 2024-05-30. Review status: criteria provided, single submitter. Criteria: Invitae Variant Classification Sherloc (09022015). Collection method: clinical testing. Allele origin: germline.
Comment: This variant occurs in the MIR204 gene, which encodes an RNA molecule that does not result in a protein product. This variant is not present in population databases (gnomAD no frequency). This variant has not been reported in the literature in individuals affected with MIR204-related conditions. Experimental studies and prediction algorithms are not available or were not evaluated, and the functional significance of this variant is currently unknown. In summary, the available evidence is currently insufficient to determine the role of this variant in disease. Therefore, it has been classified as a Variant of Uncertain Significance.

NC_000009.12:g.70810062T>A

Genes: MIR204 (microRNA 204; minus strand), TRPM3 (transient receptor potential cation channel subfamily M member 3; minus strand). Cytogenetic location: 9q21.12.
Variant type: single nucleotide variant.
Molecular consequence: intron variant (on NM_001366145.2). On other transcripts: non-coding transcript variant (1).
Genome position: GRCh38 VCF-style: chr9-70810062-T-A. GRCh37 (hg19) VCF-style: chr9-73424978-T-A.
Other names: c.979+17785A>T (NM_001366143.2, NM_001366141.2, NM_001366142.2 and 1 more transcripts); c.973+17785A>T (NM_001366150.2, NM_001366151.2, NM_001007471.4 and 4 more transcripts); c.1048+1108A>T (NM_001366148.2, NM_001366152.2, NM_001366147.2); c.514+17785A>T (NM_206944.5, NM_020952.6, NM_206945.5 and 3 more transcripts); c.589+1108A>T (NM_206947.5, NM_206946.5, NM_001007470.3).
Identifiers: ClinVar variation 3651190 (VCV003651190.2).